The following is an entry in ClinVar:

ClinVar aggregate classification (germline): Pathogenic (3 of 4 stars; one submission).

Conditions:
Phenylketonuria (PKU). Also called: OLIGOPHRENIA PHENYLPYRUVICA; Phenylketonuria (PKU); Phenylketonurias; FOLLING DISEASE. Identifiers: Orphanet 716, MedGen C0031485, MONDO:0009861, OMIM 261600. Disease mechanism: loss of function.

Allele frequency attached by ClinVar (database versions not stated): gnomAD exomes below 0.00001.
gnomAD v4.1: 1 of 1,613,972 alleles (0.000062%); highest among the groups gnomAD compares: Non-Finnish European, 0.000085%; no homozygotes.

Submission:

ClinGen PAH Variant Curation Expert Panel
Classification: Pathogenic for Phenylketonuria. Last evaluated: 2020-07-24. Review status: reviewed by expert panel. Criteria: ClinGen PAH ACMG Specifications v1. Collection method: curation. Allele origin: germline. Inheritance: Autosomal recessive inheritance.
Comment: The c.510-1G>A variant in PAH is a canonical splice acceptor in which exon skipping disrupts the reading frame and is predicted to undergo nonsense mediated-decay. 2 patients in a Chinese Han PKU cohort were identified with c.510-1G>A in trans with pathogenic variant p.Arg241Cys and VUS p.Ile421Thr. (PMID 28982351). This variant is absent from population databases. In summary, this variant meets criteria to be classified as pathogenic for PAH. PAH-specific ACMG/AMP criteria applied: PVS1, PM2, PM3, and PP4.

NM_000277.3(PAH):c.510-1G>A

Gene: PAH (phenylalanine hydroxylase; minus strand). Cytogenetic location: 12q23.2.
Variant type: single nucleotide variant.
Coding change: c.510-1G>A on transcript NM_000277.3 (MANE Select); the canonical splice acceptor site of the intron before coding-DNA position 510, G replaced by A.
Molecular consequence: splice acceptor variant.
Genome position (GRCh38, 1-based): chr12:102,855,333, C>T on the plus strand (G>A on the coding strand, the complement: PAH is on the minus strand). VCF-style: chr12-102855333-C-T. GRCh37 (hg19) VCF-style: chr12-103249111-C-T.
Other names: c.510-1G>A (NM_001354304.2).
Identifiers: ClinVar variation 987761 (VCV000987761.1), dbSNP rs1875377960, ClinGen allele CA16020808.
Genomic context (GRCh38, chr12:102,855,333, plus strand): 5'-ACTGTGCCCCATGTTTTCTTTTCTTCCTCCATGTATTCCACTCGAGGGATGGGCTGCCCA[C>T]TAGAATACAGGCACAAAATAGGTGTCTCAAGCAGGGCAGGGGCACAGCAGAACGCAGGTT-3'